The following is an entry in ClinVar:

NM_001379200.1(TBX1):c.1289C>T (p.Ala430Val)

Gene: TBX1 (T-box transcription factor 1; plus strand). Cytogenetic location: 22q11.21.
Variant type: single nucleotide variant.
Coding change: c.1289C>T on transcript NM_001379200.1 (MANE Select); coding-DNA position 1289, C replaced by T.
Protein change: p.Ala430Val; replaces alanine 430 with valine.
Molecular consequence: missense variant. On other transcripts: intron variant (2).
Genome position (GRCh38, 1-based): chr22:19,766,641, C>T. VCF-style: chr22-19766641-C-T. GRCh37 (hg19) VCF-style: chr22-19754164-C-T.
Other names: c.1262C>T, p.Ala421Val (NM_080647.1); c.1009+639C>T (NM_005992.1, NM_080646.2); short protein forms A430V, A421V.
Identifiers: ClinVar variation 2447906 (VCV002447906.2), dbSNP rs2517858710, ClinGen allele CA410684849.

ClinVar aggregate classification (germline): Uncertain significance (1 of 4 stars; one submission).

Conditions:
Cardiovascular phenotype. Identifiers: MedGen CN230736.

Submission:

Ambry Genetics
Classification: Uncertain significance for Cardiovascular phenotype. Last evaluated: 2023-02-16. Review status: criteria provided, single submitter. Criteria: Ambry Variant Classification Scheme 2023. Collection method: clinical testing. Allele origin: germline.
Comment: The p.A421V variant (also known as c.1262C>T), located in coding exon 8 of the TBX1 gene, results from a C to T substitution at nucleotide position 1262. The alanine at codon 421 is replaced by valine, an amino acid with similar properties. This amino acid position is conserved. In addition, this alteration is predicted to be tolerated by in silico analysis. Since supporting evidence is limited at this time, the clinical significance of this alteration remains unclear.